The following is an entry in ClinVar:

NM_018942.3(HMX1):c.981G>T (p.Pro327=)

Gene: HMX1 (H6 family homeobox 1; minus strand). Cytogenetic location: 4p16.1.
Variant type: single nucleotide variant.
Coding change: c.981G>T on transcript NM_018942.3 (MANE Select); coding-DNA position 981, G replaced by T.
Protein change: p.Pro327=; no amino-acid change (proline 327 retained).
Molecular consequence: synonymous variant. On other transcripts: intron variant (1).
Genome position (GRCh38, 1-based): chr4:8,867,759, C>A on the plus strand (G>T on the coding strand, the complement: HMX1 is on the minus strand). VCF-style: chr4-8867759-C-A. GRCh37 (hg19) VCF-style: chr4-8869485-C-A.
Other names: c.981G>T (NM_018942.2); c.394+3462G>T (NM_001306142.2).
Identifiers: ClinVar variation 1078772 (VCV001078772.12), dbSNP rs1341154598, ClinGen allele CA356277310.

ClinVar aggregate classification (germline): Likely benign. Review status: criteria provided, single submitter (1 of 4 stars). 2 submissions from 2 submitters: Likely benign (1). 1 of the submissions does not count toward it. Last evaluated 2024-10-29.

Conditions:
HMX1-related disorder. Also called: HMX1-related condition.

gnomAD v4.1: 9 of 1,283,370 alleles (0.0007%); highest among the groups gnomAD compares: Non-Finnish European, 0.00088%; no homozygotes.

Submissions (2):

Labcorp Genetics (formerly Invitae), Labcorp
Classification: Likely benign. Last evaluated: 2024-10-29. Review status: criteria provided, single submitter. Criteria: Invitae Variant Classification Sherloc (09022015). Collection method: clinical testing. Allele origin: germline.

PreventionGenetics, part of Exact Sciences
Classification: Likely benign for HMX1-related condition. Last evaluated: 2019-04-09. Review status: no assertion criteria provided. Collection method: clinical testing. Allele origin: germline. Not counted in ClinVar's aggregate classification.
Comment: This variant is classified as likely benign based on ACMG/AMP sequence variant interpretation guidelines (Richards et al. 2015 PMID: 25741868, with internal and published modifications).